The following is an entry in ClinVar:

ClinVar aggregate classification (germline): Likely benign (0 of 4 stars; one submission).

Conditions:
FYCO1-related disorder. Also called: FYCO1-related condition.

Allele frequency attached by ClinVar (database versions not stated): gnomAD 0.00001; gnomAD exomes 0.00001; TOPMed 0.00001; ExAC 0.00002.
gnomAD v4.1: 16 of 1,613,766 alleles (0.00099%); highest among the groups gnomAD compares: East Asian, 0.036%; no homozygotes.

Submission:

PreventionGenetics, part of Exact Sciences
Classification: Likely benign for FYCO1-related condition. Last evaluated: 2023-07-27. Review status: no assertion criteria provided. Collection method: clinical testing. Allele origin: germline.
Comment: This variant is classified as likely benign based on ACMG/AMP sequence variant interpretation guidelines (Richards et al. 2015 PMID: 25741868, with internal and published modifications).

NM_024513.4(FYCO1):c.4218G>A (p.Gln1406=)

Gene: FYCO1 (FYVE and coiled-coil domain autophagy adaptor 1; minus strand). Cytogenetic location: 3p21.31.
Variant type: single nucleotide variant.
Coding change: c.4218G>A on transcript NM_024513.4 (MANE Select); coding-DNA position 4218, G replaced by A.
Protein change: p.Gln1406=; no amino-acid change (glutamine 1406 retained).
Molecular consequence: synonymous variant. On other transcripts: non-coding transcript variant (1).
Genome position (GRCh38, 1-based): chr3:45,931,104, C>T on the plus strand (G>A on the coding strand, the complement: FYCO1 is on the minus strand). VCF-style: chr3-45931104-C-T. GRCh37 (hg19) VCF-style: chr3-45972596-C-T.
Other names: c.4218G>A, p.Gln1406= (NM_001386421.1, NM_001386422.1, NM_001386424.1 and 3 more transcripts); c.4215G>A, p.Gln1405= (NM_001386423.1); c.4098G>A, p.Gln1366= (NM_001386426.1); c.4074G>A, p.Gln1358= (NM_001386427.1); c.3618G>A, p.Gln1206= (NM_001386430.1).
Identifiers: ClinVar variation 3046921 (VCV003046921.2), dbSNP rs761942980, ClinGen allele CA2352366.